The following is an entry in ClinVar:

NM_001017995.3(SH3PXD2B):c.1906T>G (p.Leu636Val)

Gene: SH3PXD2B (SH3 and PX domains 2B; minus strand). Cytogenetic location: 5q35.1.
Variant type: single nucleotide variant.
Coding change: c.1906T>G on transcript NM_001017995.3 (MANE Select); coding-DNA position 1906, T replaced by G.
Protein change: p.Leu636Val; replaces leucine 636 with valine.
Molecular consequence: missense variant. On other transcripts: intron variant (1).
Genome position (GRCh38, 1-based): chr5:172,339,199, A>C on the plus strand (T>G on the coding strand, the complement: SH3PXD2B is on the minus strand). VCF-style: chr5-172339199-A-C. GRCh37 (hg19) VCF-style: chr5-171766203-A-C.
Other names: c.1188+6937T>G (NM_001308175.2); short protein forms L636V.
Identifiers: ClinVar variation 1917824 (VCV001917824.5), dbSNP rs2532657144, ClinGen allele CA362146892.

ClinVar aggregate classification (germline): Uncertain significance (1 of 4 stars; one submission).

Allele frequency attached by ClinVar (database versions not stated): gnomAD exomes below 0.00001.
gnomAD v4.1: 3 of 1,614,232 alleles (0.00019%); highest among the groups gnomAD compares: Non-Finnish European, 0.00025%; no homozygotes.

Submission:

Labcorp Genetics (formerly Invitae), Labcorp
Classification: Uncertain significance. Last evaluated: 2022-03-20. Review status: criteria provided, single submitter. Criteria: Invitae Variant Classification Sherloc (09022015). Collection method: clinical testing. Allele origin: germline.
Comment: In summary, the available evidence is currently insufficient to determine the role of this variant in disease. Therefore, it has been classified as a Variant of Uncertain Significance. Algorithms developed to predict the effect of missense changes on protein structure and function output the following: SIFT: "Tolerated"; PolyPhen-2: "Benign"; Align-GVGD: "Class C0". The valine amino acid residue is found in multiple mammalian species, which suggests that this missense change does not adversely affect protein function. This variant has not been reported in the literature in individuals affected with SH3PXD2B-related conditions. This variant is not present in population databases (gnomAD no frequency). This sequence change replaces leucine, which is neutral and non-polar, with valine, which is neutral and non-polar, at codon 636 of the SH3PXD2B protein (p.Leu636Val).